The following is an entry in ClinVar:

NM_003628.6(PKP4):c.2094-1G>C

Genes: PKP4 (plakophilin 4; plus strand), PKP4-AS1 (PKP4 antisense RNA 1; minus strand). Cytogenetic location: 2q24.1.
Variant type: single nucleotide variant.
Coding change: c.2094-1G>C on transcript NM_003628.6 (MANE Select); the canonical splice acceptor site of the intron before coding-DNA position 2094, G replaced by C.
Molecular consequence: splice acceptor variant. On other transcripts: non-coding transcript variant (1).
Genome position (GRCh38, 1-based): chr2:158,661,332, G>C. VCF-style: chr2-158661332-G-C. GRCh37 (hg19) VCF-style: chr2-159517844-G-C.
Other names: NM_003628.6:c.2094-1G>C; c.2091-1G>C (NM_001377220.1, NM_001304969.3, NM_001377226.1 and 2 more transcripts); c.2094-1G>C (NM_001005476.4, NM_001377225.1, NM_001304971.2 and 1 more transcripts); c.1065-1G>C (NM_001304970.3); c.2088-1G>C (NM_001377222.1, NM_001377223.1); c.2085-1G>C (NM_001377224.1).
Identifiers: ClinVar variation 4070930 (VCV004070930.1).

ClinVar aggregate classification (germline): Uncertain significance (1 of 4 stars; one submission).

Conditions:
Syndromic intellectual disability. Also called: Intellectual disability syndrome. Identifiers: Orphanet 183763, MedGen C5680525, MONDO:0000508.

gnomAD v4.1: 1 of 1,611,450 alleles (0.000062%); highest among the groups gnomAD compares: Non-Finnish European, 0.000085%; no homozygotes.

Submission:

Broad Center for Mendelian Genomics, Broad Institute of MIT and Harvard
Classification: Uncertain significance for Syndromic intellectual disability. Last evaluated: 2025-07-18. Review status: criteria provided, single submitter. Criteria: ACMG Guidelines, 2015. Collection method: curation. Allele origin: germline. Inheritance: Autosomal dominant inheritance. Study: GREGoR Consortium.
Comment: While this gene is still lacking sufficient evidence to establish a gene-disease relationship, we believe this is a possible novel gene candidate for syndromic intellectual disability. Given the limited information about this gene-disease relationship, the significance of the c.2094-1G>C variant is uncertain. If you have any additional information about functional evidence or other individuals with this phenotype that also have variants in RFC4 we encourage you to reach out to us.